The following is an entry in ClinVar:

NM_012108.4(STAP1):c.287A>T (p.Lys96Ile)

Genes: STAP1 (signal transducing adaptor family member 1; plus strand), LOC123477751 (Sharpr-MPRA regulatory region 12077; plus strand). Cytogenetic location: 4q13.2.
Variant type: single nucleotide variant.
Coding change: c.287A>T on transcript NM_012108.4 (MANE Select); coding-DNA position 287, A replaced by T.
Protein change: p.Lys96Ile; replaces lysine 96 with isoleucine.
Molecular consequence: missense variant.
Genome position (GRCh38, 1-based): chr4:67,575,479, A>T. VCF-style: chr4-67575479-A-T. GRCh37 (hg19) VCF-style: chr4-68441197-A-T.
Other names: c.287A>T, p.Lys96Ile (NM_001317769.2); short protein forms K96I.
Identifiers: ClinVar variation 2563495 (VCV002563495.2), dbSNP rs1159883339, ClinGen allele CA357048221.
Genomic context (GRCh38, chr4:67,575,479, plus strand): 5'-GCCTTACTGAGCAGAATTCAACTGAAAAGAACTGTGCGAAATTCACCCTTGTTTTGCCGA[A>T]AGAGGAAGTACAACTGAAGGTGAGCGAGGAGAAACAGTAGTCTGTAAAGGGTTGTGGTTA-3'
Protein context (NP_036240.1, residues 86-106): NCAKFTLVLP[Lys96Ile]EEVQLKTENT

ClinVar aggregate classification (germline): Uncertain significance (1 of 4 stars; one submission).

Submission:

Ambry Genetics
Classification: Uncertain significance. Last evaluated: 2023-06-09. Review status: criteria provided, single submitter. Criteria: Ambry Variant Classification Scheme 2023. Collection method: clinical testing. Allele origin: germline.
Comment: The p.K96I variant (also known as c.287A>T), located in coding exon 3 of the STAP1 gene, results from an A to T substitution at nucleotide position 287. The lysine at codon 96 is replaced by isoleucine, an amino acid with dissimilar properties. This amino acid position is conserved. In addition, this alteration is predicted to be tolerated by in silico analysis. Since supporting evidence is limited at this time, the clinical significance of this alteration remains unclear.